The following is an entry in ClinVar:

NM_181078.3(IL21R):c.7C>T (p.Arg3Cys)

Gene: IL21R (interleukin 21 receptor; plus strand). Cytogenetic location: 16p12.1.
Variant type: single nucleotide variant.
Coding change: c.7C>T on transcript NM_181078.3 (MANE Select); coding-DNA position 7, C replaced by T.
Protein change: p.Arg3Cys; replaces arginine 3 with cysteine.
Molecular consequence: missense variant.
Genome position (GRCh38, 1-based): chr16:27,430,078, C>T. VCF-style: chr16-27430078-C-T. GRCh37 (hg19) VCF-style: chr16-27441399-C-T.
Other names: c.7C>T, p.Arg3Cys (NM_021798.4); c.73C>T, p.Arg25Cys (NM_181079.5); short protein forms R25C, R3C.
Identifiers: ClinVar variation 1410612 (VCV001410612.4), dbSNP rs1385136152, ClinGen allele CA395297194.

ClinVar aggregate classification (germline): Uncertain significance. Review status: criteria provided, multiple submitters, no conflicts (2 of 4 stars). 2 submissions from 2 submitters: Uncertain significance (2). Last evaluated 2024-10-30.

Conditions:
Cryptosporidiosis-chronic cholangitis-liver disease syndrome. Also called: Immunodeficiency type 56; IL21R immunodeficiency. Identifiers: Orphanet 357329, MedGen C3554687, MONDO:0014082, OMIM 615207.

Allele frequency attached by ClinVar (database versions not stated): TOPMed below 0.00001; gnomAD 0.00002.
gnomAD v4.1: 17 of 1,606,112 alleles (0.0011%); highest among the groups gnomAD compares: Admixed American, 0.005%; no homozygotes.

Submissions (2):

Blueprint Genetics
Classification: Uncertain significance. Last evaluated: 2024-10-30. Review status: criteria provided, single submitter. Criteria: ACMG Guidelines, 2015. Collection method: clinical testing. Allele origin: germline.

Labcorp Genetics (formerly Invitae), Labcorp
Classification: Uncertain significance for Cryptosporidiosis-chronic cholangitis-liver disease syndrome. Last evaluated: 2022-02-10. Review status: criteria provided, single submitter. Criteria: Invitae Variant Classification Sherloc (09022015). Collection method: clinical testing. Allele origin: germline.
Comment: This sequence change replaces arginine, which is basic and polar, with cysteine, which is neutral and slightly polar, at codon 3 of the IL21R protein (p.Arg3Cys). This variant is present in population databases (no rsID available, gnomAD 0.006%). This variant has not been reported in the literature in individuals affected with IL21R-related conditions. Algorithms developed to predict the effect of missense changes on protein structure and function output the following: SIFT: "Tolerated"; PolyPhen-2: "Benign"; Align-GVGD: "Class C0". The cysteine amino acid residue is found in multiple mammalian species, which suggests that this missense change does not adversely affect protein function. In summary, the available evidence is currently insufficient to determine the role of this variant in disease. Therefore, it has been classified as a Variant of Uncertain Significance.